The following is an entry in ClinVar:

NM_022436.3(ABCG5):c.338T>A (p.Val113Glu)

Gene: ABCG5 (ATP binding cassette subfamily G member 5; minus strand). Cytogenetic location: 2p21.
Variant type: single nucleotide variant.
Coding change: c.338T>A on transcript NM_022436.3 (MANE Select); coding-DNA position 338, T replaced by A.
Protein change: p.Val113Glu; replaces valine 113 with glutamic acid.
Molecular consequence: missense variant.
Genome position (GRCh38, 1-based): chr2:43,832,011, A>T on the plus strand (T>A on the coding strand, the complement: ABCG5 is on the minus strand). VCF-style: chr2-43832011-A-T. GRCh37 (hg19) VCF-style: chr2-44059150-A-T.
Other names: short protein forms V113E.
Identifiers: ClinVar variation 3414729 (VCV003414729.1).

ClinVar aggregate classification (germline): Uncertain significance (1 of 4 stars; one submission).

Conditions:
Cardiovascular phenotype. Identifiers: MedGen CN230736.

Submission:

Ambry Genetics
Classification: Uncertain significance for Cardiovascular phenotype. Last evaluated: 2024-06-26. Review status: criteria provided, single submitter. Criteria: Ambry Variant Classification Scheme 2023. Collection method: clinical testing. Allele origin: germline.
Comment: The p.V113E variant (also known as c.338T>A), located in coding exon 3 of the ABCG5 gene, results from a T to A substitution at nucleotide position 338. The valine at codon 113 is replaced by glutamic acid, an amino acid with dissimilar properties. This amino acid position is conserved. In addition, this alteration is predicted to be deleterious by in silico analysis. Based on the available evidence, the clinical significance of this variant remains unclear.